The following is an entry in ClinVar:

ClinVar aggregate classification (germline): Uncertain significance (1 of 4 stars; one submission).

Submission:

CeGaT Center for Human Genetics Tuebingen
Classification: Uncertain significance. Last evaluated: 2023-04-01. Review status: criteria provided, single submitter. Criteria: CeGaT Center For Human Genetics Tuebingen Variant Classification Criteria Version 2. Collection method: clinical testing. Allele origin: germline. Affected: yes. Observed: 1 variant allele.
Comment: MYT1L: PM2, PP2

NM_001303052.2(MYT1L):c.2573G>A (p.Gly858Glu)

Gene: MYT1L (myelin transcription factor 1 like; minus strand). Cytogenetic location: 2p25.3.
Variant type: single nucleotide variant.
Coding change: c.2573G>A on transcript NM_001303052.2 (MANE Select); coding-DNA position 2573, G replaced by A.
Protein change: p.Gly858Glu; replaces glycine 858 with glutamic acid.
Molecular consequence: missense variant.
Genome position (GRCh38, 1-based): chr2:1,887,557, C>T on the plus strand (G>A on the coding strand, the complement: MYT1L is on the minus strand). VCF-style: chr2-1887557-C-T. GRCh37 (hg19) VCF-style: chr2-1891329-C-T.
Other names: c.2573G>A, p.Gly858Glu (NM_001329844.2, NM_001329845.1, NM_001329851.3); c.2567G>A, p.Gly856Glu (NM_001329846.3, NM_001329847.2, NM_001329848.1 and 3 more transcripts); short protein forms G856E, G858E.
Identifiers: ClinVar variation 2571063 (VCV002571063.27), dbSNP rs1351483693, ClinGen allele CA345709663.
Genomic context (GRCh38, chr2:1,887,557, plus strand): 5'-TCCTTTTTGCTCTCCTTGCACTGAGGGTACTTGGGTTTGGGACTTGGGATGGTCACCTCC[C>T]CGGGATACCGTCTTTCTTCTAGAGCCTCCTGGAATGGGTCCAAGTCTTCTGGCTGTGGGC-3'
Protein context (NP_001289981.1, residues 848-868): QEALEERRYP[Gly858Glu]EVTIPSPKPK